The following is an entry in ClinVar:

ClinVar aggregate classification (germline): Uncertain significance. Review status: criteria provided, multiple submitters, no conflicts (2 of 4 stars). 2 submissions from 2 submitters: Uncertain significance (2). Last evaluated 2025-08-02.

Conditions:
Inborn genetic diseases. Identifiers: MedGen C0950123, MeSH D030342.

Allele frequency attached by ClinVar (database versions not stated): gnomAD exomes below 0.00001.
gnomAD v4.1: 3 of 1,614,172 alleles (0.00019%); highest among the groups gnomAD compares: Admixed American, 0.0033%; no homozygotes.

Submissions (2):

Ambry Genetics
Classification: Uncertain significance for Inborn genetic diseases. Last evaluated: 2025-08-02. Review status: criteria provided, single submitter. Criteria: Ambry Variant Classification Scheme 2023. Collection method: clinical testing. Allele origin: germline.

GeneDx
Classification: Uncertain significance. Last evaluated: 2022-11-08. Review status: criteria provided, single submitter. Criteria: GeneDx Variant Classification Process June 2021. Collection method: clinical testing. Allele origin: germline. Affected: yes.
Comment: Not observed at significant frequency in large population cohorts (gnomAD); In silico analysis supports that this missense variant does not alter protein structure/function; Has not been previously published as pathogenic or benign to our knowledge

NM_000168.6(GLI3):c.4484A>G (p.Asp1495Gly)

Gene: GLI3 (GLI family zinc finger 3; minus strand). Cytogenetic location: 7p14.1.
Variant type: single nucleotide variant.
Coding change: c.4484A>G on transcript NM_000168.6 (MANE Select); coding-DNA position 4484, A replaced by G.
Protein change: p.Asp1495Gly; replaces aspartic acid 1495 with glycine.
Molecular consequence: missense variant.
Genome position (GRCh38, 1-based): chr7:41,964,589, T>C on the plus strand (A>G on the coding strand, the complement: GLI3 is on the minus strand). VCF-style: chr7-41964589-T-C. GRCh37 (hg19) VCF-style: chr7-42004187-T-C.
Other names: short protein forms D1495G.
Identifiers: ClinVar variation 2501538 (VCV002501538.2), dbSNP rs1239124312, ClinGen allele CA367314928.
Genomic context (GRCh38, chr7:41,964,589, plus strand): 5'-TGGTCCCCATCGTCTATGATGGCATCGAAGTCAATCTGTACCCCTTCCAGGTCATGGCTG[T>C]CGAGGCTGTCCACTGTGCTTGTCACCTGATTAGCACCTGGGGAAAGTAACTCAGAGTTTT-3'
Protein context (NP_000159.3, residues 1485-1505): NQVTSTVDSL[Asp1495Gly]SHDLEGVQID